The following is an entry in ClinVar:

ClinVar aggregate classification (germline): Uncertain significance (1 of 4 stars; one submission).

Conditions:
Hereditary cancer-predisposing syndrome. Also called: Neoplastic Syndromes, Hereditary; Tumor predisposition; Hereditary Cancer Syndrome; Hereditary neoplastic syndrome. Identifiers: Orphanet 140162, MedGen C0027672, MeSH D009386, MONDO:0015356.

Submission:

Ambry Genetics
Classification: Uncertain significance for Hereditary cancer-predisposing syndrome. Last evaluated: 2021-04-13. Review status: criteria provided, single submitter. Criteria: Ambry Variant Classification Scheme 2023. Collection method: clinical testing. Allele origin: germline.
Comment: The p.E970Q variant (also known as c.2908G>C), located in coding exon 17 of the DICER1 gene, results from a G to C substitution at nucleotide position 2908. The glutamic acid at codon 970 is replaced by glutamine, an amino acid with highly similar properties. This amino acid position is highly conserved in available vertebrate species. In addition, this alteration is predicted to be tolerated by in silico analysis. Since supporting evidence is limited at this time, the clinical significance of this alteration remains unclear.

NM_177438.3(DICER1):c.2908G>C (p.Glu970Gln)

Gene: DICER1 (dicer 1, ribonuclease III; minus strand). Cytogenetic location: 14q32.13.
Variant type: single nucleotide variant.
Coding change: c.2908G>C on transcript NM_177438.3 (MANE Select); coding-DNA position 2908, G replaced by C.
Protein change: p.Glu970Gln; replaces glutamic acid 970 with glutamine.
Molecular consequence: missense variant.
Genome position (GRCh38, 1-based): chr14:95,106,120, C>G on the plus strand (G>C on the coding strand, the complement: DICER1 is on the minus strand). VCF-style: chr14-95106120-C-G. GRCh37 (hg19) VCF-style: chr14-95572457-C-G.
Other names: c.2908G>C, p.Glu970Gln (NM_001195573.1, NM_001271282.3, NM_001291628.2 and 1 more transcripts); short protein forms E970Q.
Identifiers: ClinVar variation 483431 (VCV000483431.5), dbSNP rs1555370302, ClinGen allele CA390878980.